The following is an entry in ClinVar:

ClinVar aggregate classification (germline): Likely benign. Review status: criteria provided, multiple submitters, no conflicts (2 of 4 stars). 2 submissions from 2 submitters: Likely benign (2). Last evaluated 2025-08-31.

Conditions:
Dystonia 12 (DYT12). Also called: DYT-ATP1A3; Rapid-Onset Dystonia-Parkinsonism (RDP). Identifiers: Orphanet 71517, MedGen C1868681, MONDO:0007496, OMIM 128235.

Allele frequency attached by ClinVar (database versions not stated): gnomAD 0.00002; gnomAD exomes 0.00002 and 0.00003; TOPMed 0.00003; ExAC 0.00004.
gnomAD v4.1: 25 of 1,613,870 alleles (0.0015%); highest among the groups gnomAD compares: East Asian, 0.0045%; no homozygotes.

Submissions (2):

Labcorp Genetics (formerly Invitae), Labcorp
Classification: Likely benign for Dystonia 12. Last evaluated: 2025-08-31. Review status: criteria provided, single submitter. Criteria: Invitae Variant Classification Sherloc (09022015). Collection method: clinical testing. Allele origin: germline.

CeGaT Center for Human Genetics Tuebingen
Classification: Likely benign. Last evaluated: 2023-05-01. Review status: criteria provided, single submitter. Criteria: CeGaT Center For Human Genetics Tuebingen Variant Classification Criteria Version 2. Collection method: clinical testing. Allele origin: germline. Affected: yes. Observed: 2 variant alleles.
Comment: ATP1A3: BP4, BP7

NM_152296.5(ATP1A3):c.2277C>T (p.Phe759=)

Gene: ATP1A3 (ATPase Na+/K+ transporting subunit alpha 3; minus strand). Cytogenetic location: 19q13.2.
Variant type: single nucleotide variant.
Coding change: c.2277C>T on transcript NM_152296.5 (MANE Select); coding-DNA position 2277, C replaced by T.
Protein change: p.Phe759=; no amino-acid change (phenylalanine 759 retained).
Molecular consequence: synonymous variant.
Genome position (GRCh38, 1-based): chr19:41,970,529, G>A on the plus strand (C>T on the coding strand, the complement: ATP1A3 is on the minus strand). VCF-style: chr19-41970529-G-A. GRCh37 (hg19) VCF-style: chr19-42474681-G-A.
Other names: c.2310C>T, p.Phe770= (NM_001256213.2); c.2316C>T, p.Phe772= (NM_001256214.2).
Identifiers: ClinVar variation 697242 (VCV000697242.43), dbSNP rs782305663, ClinGen allele CA9467417.